The following is an entry in ClinVar:

ClinVar aggregate classification (germline): Uncertain significance. Review status: criteria provided, multiple submitters, no conflicts (2 of 4 stars). 2 submissions from 2 submitters: Uncertain significance (2). Last evaluated 2022-09-07.

Conditions:
Dyskeratosis congenita. Identifiers: Orphanet 1775, MedGen C0265965, MONDO:0015780.
Dyskeratosis congenita, autosomal dominant 2. Identifiers: MedGen C3151443, MONDO:0013521, OMIM 613989.
Idiopathic Pulmonary Fibrosis. Also called: Idiopathic fibrosing alveolitis, chronic form; idiopathic fibrosing alveolitis. Identifiers: Orphanet 2032, MedGen C1800706, MeSH D054990, MONDO:0800504.

Submissions (2):

Labcorp Genetics (formerly Invitae), Labcorp
Classification: Uncertain significance for Dyskeratosis congenita, autosomal dominant 2; Idiopathic Pulmonary Fibrosis. Last evaluated: 2022-09-07. Review status: criteria provided, single submitter. Criteria: Invitae Variant Classification Sherloc (09022015). Collection method: clinical testing. Allele origin: germline.
Comment: This sequence change replaces threonine, which is neutral and polar, with alanine, which is neutral and non-polar, at codon 1039 of the TERT protein (p.Thr1039Ala). This variant is not present in population databases (gnomAD no frequency). This variant has not been reported in the literature in individuals affected with TERT-related conditions. ClinVar contains an entry for this variant (Variation ID: 968868). Advanced modeling of protein sequence and biophysical properties (such as structural, functional, and spatial information, amino acid conservation, physicochemical variation, residue mobility, and thermodynamic stability) performed at Invitae indicates that this missense variant is not expected to disrupt TERT protein function. In summary, the available evidence is currently insufficient to determine the role of this variant in disease. Therefore, it has been classified as a Variant of Uncertain Significance.

Ambry Genetics
Classification: Uncertain significance for Dyskeratosis congenita. Last evaluated: 2015-01-27. Review status: criteria provided, single submitter. Criteria: Ambry Variant Classification Scheme 2023. Collection method: clinical testing. Allele origin: germline.
Comment: The p.T1039A variant (also known as c.3115A>G), located in coding exon 14 of the TERT gene, results from an A to G substitution at nucleotide position 3115. The threonine at codon 1039 is replaced by alanine, an amino acid with similar properties. This variant was not reported in population based cohorts in the following databases: Database of Single Nucleotide Polymorphisms (dbSNP), NHLBI Exome Sequencing Project (ESP), and 1000 Genomes Project. In the ESP, this variant was not observed in 6358 samples (12716 alleles) with coverage at this position. This amino acid position is poorly conserved in available vertebrate species. In addition, the in silico prediction for this alteration is inconclusive. Since supporting evidence is limited at this time, the clinical significance of this variant remains unclear.

NM_198253.3(TERT):c.3115A>G (p.Thr1039Ala)

Gene: TERT (telomerase reverse transcriptase; minus strand). Cytogenetic location: 5p15.33.
Variant type: single nucleotide variant.
Coding change: c.3115A>G on transcript NM_198253.3 (MANE Select); coding-DNA position 3115, A replaced by G.
Protein change: p.Thr1039Ala; replaces threonine 1039 with alanine.
Molecular consequence: missense variant. On other transcripts: non-coding transcript variant (2).
Genome position (GRCh38, 1-based): chr5:1,255,329, T>C on the plus strand (A>G on the coding strand, the complement: TERT is on the minus strand). VCF-style: chr5-1255329-T-C. GRCh37 (hg19) VCF-style: chr5-1255444-T-C.
Other names: c.2926A>G, p.Thr976Ala (NM_001193376.3); short protein forms T1039A, T976A.
Identifiers: ClinVar variation 968868 (VCV000968868.12), dbSNP rs1747640936, ClinGen allele CA359068127.